The following is an entry in ClinVar:

ClinVar aggregate classification (germline): Uncertain significance. Review status: criteria provided, multiple submitters, no conflicts (2 of 4 stars). 2 submissions from 2 submitters: Uncertain significance (2). Last evaluated 2026-05-15.

Conditions:
VPS13B-related disorder. Also called: VPS13B-related condition.
Cohen syndrome (COH1). Also called: Cutis verticis gyrata, retinitis pigmentosa, and sensorineural deafness; PEPPER SYNDROME. Identifiers: Orphanet 193, MedGen C0265223, MONDO:0008999, OMIM 216550.

Allele frequency attached by ClinVar (database versions not stated): TOPMed 0.00002.
gnomAD v4.1: 15 of 1,613,620 alleles (0.00093%); highest among the groups gnomAD compares: African/African-American, 0.0013%; no homozygotes.

Submissions (2):

PreventionGenetics, part of Exact Sciences
Classification: Uncertain significance for VPS13B-related condition. Last evaluated: 2026-05-15. Review status: criteria provided, single submitter. Criteria: ACMG Guidelines, 2015. Collection method: clinical testing. Allele origin: germline.
Comment: The VPS13B c.4262A>T variant is predicted to result in the amino acid substitution p.His1421Leu. To our knowledge, this variant has not been reported in the literature. This variant is reported in 0.013% of alleles in individuals of European (Non-Finnish) descent in gnomAD. At this time, the clinical significance of this variant is uncertain due to the absence of conclusive functional and genetic evidence.

Labcorp Genetics (formerly Invitae), Labcorp
Classification: Uncertain significance for Cohen syndrome. Last evaluated: 2025-04-28. Review status: criteria provided, single submitter. Criteria: Invitae Variant Classification Sherloc (09022015). Collection method: clinical testing. Allele origin: germline.
Comment: This sequence change replaces histidine, which is basic and polar, with leucine, which is neutral and non-polar, at codon 1446 of the VPS13B protein (p.His1446Leu). This variant is present in population databases (no rsID available, gnomAD 0.01%). This variant has not been reported in the literature in individuals affected with VPS13B-related conditions. ClinVar contains an entry for this variant (Variation ID: 936609). Invitae Evidence Modeling of protein sequence and biophysical properties (such as structural, functional, and spatial information, amino acid conservation, physicochemical variation, residue mobility, and thermodynamic stability) indicates that this missense variant is expected to disrupt VPS13B protein function with a positive predictive value of 80%. In summary, the available evidence is currently insufficient to determine the role of this variant in disease. Therefore, it has been classified as a Variant of Uncertain Significance.

NM_152564.5(VPS13B):c.4262A>T (p.His1421Leu)

Gene: VPS13B (vacuolar protein sorting 13 homolog B; plus strand). Cytogenetic location: 8q22.2.
Variant type: single nucleotide variant.
Coding change: c.4262A>T on transcript NM_152564.5 (MANE Select); coding-DNA position 4262, A replaced by T.
Protein change: p.His1421Leu; replaces histidine 1421 with leucine.
Molecular consequence: missense variant.
Genome position (GRCh38, 1-based): chr8:99,511,141, A>T. VCF-style: chr8-99511141-A-T. GRCh37 (hg19) VCF-style: chr8-100523369-A-T.
Other names: c.4337A>T, p.His1446Leu (NM_017890.5); c.4262A>T (NM_152564.4); short protein forms H1421L, H1446L.
Identifiers: ClinVar variation 936609 (VCV000936609.9), dbSNP rs371961155, ClinGen allele CA371871248.
Genomic context (GRCh38, chr8:99,511,141, plus strand): 5'-GTGATTTCCTTTTTTTGGAACAGACAACTACAAAACTTCTAGATGGCACTCATCAGCAGC[A>T]TGGATTCCTCTCTCTGACATACACAAAAGCTGTAACAAAAAATGTCCGCCACAAGTTAAC-3'
Protein context (NP_689777.3, residues 1411-1431): TKLLDGTHQQ[His1421Leu]GFLSLTYTKA